The following is an entry in ClinVar:

ClinVar aggregate classification (germline): Conflicting classifications of pathogenicity. Review status: criteria provided, conflicting classifications (1 of 4 stars). 4 submissions from 4 submitters: Uncertain significance (2); Likely benign (2). Last evaluated 2025-05-13.

Conditions:
Hereditary nonpolyposis colorectal neoplasms. Identifiers: MedGen C0009405, MeSH D003123.
Hereditary cancer-predisposing syndrome. Also called: Neoplastic Syndromes, Hereditary; Hereditary Cancer Syndrome; Tumor predisposition; Hereditary neoplastic syndrome. Identifiers: Orphanet 140162, MedGen C0027672, MeSH D009386, MONDO:0015356.
Lynch syndrome 5 (LYNCH5). Also called: Colorectal cancer, hereditary nonpolyposis, type 5; Hereditary non-polyposis colorectal cancer, type 5. Identifiers: Orphanet 144, MedGen C1833477, MONDO:0013710, OMIM 614350. Disease mechanism: loss of function.

Allele frequency attached by ClinVar (database versions not stated): TOPMed below 0.00001; gnomAD 0.00001.

Submissions (4):

Labcorp Genetics (formerly Invitae), Labcorp
Classification: Likely benign for Hereditary nonpolyposis colorectal neoplasms. Last evaluated: 2025-05-13. Review status: criteria provided, single submitter. Criteria: Invitae Variant Classification Sherloc (09022015). Collection method: clinical testing. Allele origin: germline.

Myriad Genetics, Inc.
Classification: Likely benign for Lynch syndrome 5. Last evaluated: 2025-01-07. Review status: criteria provided, single submitter. Criteria: Myriad Autosomal Dominant, Autosomal Recessive and X-Linked Classification Criteria (2023). Collection method: clinical testing. Allele origin: unknown.
Comment: This variant is considered likely benign. This variant is intronic and is not expected to impact mRNA splicing.

Quest Diagnostics Nichols Institute San Juan Capistrano
Classification: Uncertain significance. Last evaluated: 2019-11-11. Review status: criteria provided, single submitter. Criteria: Quest Diagnostics criteria. Collection method: clinical testing. Allele origin: unknown.

Color Diagnostics, LLC DBA Color Health
Classification: Uncertain significance for Hereditary cancer-predisposing syndrome. Last evaluated: 2018-12-04. Review status: criteria provided, single submitter. Criteria: ACMG Guidelines, 2015. Collection method: clinical testing. Allele origin: germline.

NM_000179.3(MSH6):c.3646+9T>C

Gene: MSH6 (mutS homolog 6; plus strand). Cytogenetic location: 2p16.3.
Variant type: single nucleotide variant.
Coding change: c.3646+9T>C on transcript NM_000179.3 (MANE Select); 9 bases into the intron after coding-DNA position 3646, T replaced by C.
Molecular consequence: intron variant.
Genome position (GRCh38, 1-based): chr2:47,805,716, T>C. VCF-style: chr2-47805716-T-C. GRCh37 (hg19) VCF-style: chr2-48032855-T-C.
Other names: c.2740+9T>C (NM_001281493.2, NM_001281494.2); c.3256+9T>C (NM_001281492.2).
Identifiers: ClinVar variation 927857 (VCV000927857.9), dbSNP rs1431782575, ClinGen allele CA769464865.